The following is an entry in ClinVar:

NM_024928.5(STN1):c.592G>T (p.Ala198Ser)

Gene: STN1 (STN1 subunit of CST complex; minus strand). Cytogenetic location: 10q24.33.
Variant type: single nucleotide variant.
Coding change: c.592G>T on transcript NM_024928.5 (MANE Select); coding-DNA position 592, G replaced by T.
Protein change: p.Ala198Ser; replaces alanine 198 with serine.
Molecular consequence: missense variant.
Genome position (GRCh38, 1-based): chr10:103,897,709, C>A on the plus strand (G>T on the coding strand, the complement: STN1 is on the minus strand). VCF-style: chr10-103897709-C-A. GRCh37 (hg19) VCF-style: chr10-105657467-C-A.
Other names: short protein forms A198S.
Identifiers: ClinVar variation 3004039 (VCV003004039.2), dbSNP rs139991163, ClinGen allele CA5676562.
Genomic context (GRCh38, chr10:103,897,709, plus strand): 5'-CCATGAGGAATTCTTTGGCTTTTTCACTCAGCAAACTCGTGAGACTGGGGAGGTCCAGGG[C>A]GCCTGGATTGCTGCGGAGGGAAAGTTTTAAAGAGCTCTGCAGAAAACCATCACCTTTGTT-3'
Protein context (NP_079204.2, residues 188-208): EKEEALSNPG[Ala198Ser]LDLPSLTSLL

ClinVar aggregate classification (germline): Uncertain significance (1 of 4 stars; one submission).

Submission:

Labcorp Genetics (formerly Invitae), Labcorp
Classification: Uncertain significance. Last evaluated: 2023-02-09. Review status: criteria provided, single submitter. Criteria: Invitae Variant Classification Sherloc (09022015). Collection method: clinical testing. Allele origin: germline.
Comment: In summary, the available evidence is currently insufficient to determine the role of this variant in disease. Therefore, it has been classified as a Variant of Uncertain Significance. Advanced modeling of protein sequence and biophysical properties (such as structural, functional, and spatial information, amino acid conservation, physicochemical variation, residue mobility, and thermodynamic stability) performed at Invitae indicates that this missense variant is not expected to disrupt STN1 protein function. This variant has not been reported in the literature in individuals affected with STN1-related conditions. This variant is present in population databases (rs139991163, gnomAD 0.002%). This sequence change replaces alanine, which is neutral and non-polar, with serine, which is neutral and polar, at codon 198 of the STN1 protein (p.Ala198Ser).